The following is an entry in ClinVar:

NM_022168.4(IFIH1):c.298A>G (p.Thr100Ala)

Gene: IFIH1 (interferon induced with helicase C domain 1; minus strand). Cytogenetic location: 2q24.2.
Variant type: single nucleotide variant.
Coding change: c.298A>G on transcript NM_022168.4 (MANE Select); coding-DNA position 298, A replaced by G.
Protein change: p.Thr100Ala; replaces threonine 100 with alanine.
Molecular consequence: missense variant.
Genome position (GRCh38, 1-based): chr2:162,318,010, T>C on the plus strand (A>G on the coding strand, the complement: IFIH1 is on the minus strand). VCF-style: chr2-162318010-T-C. GRCh37 (hg19) VCF-style: chr2-163174520-T-C.
Other names: short protein forms T100A.
Identifiers: ClinVar variation 982798 (VCV000982798.8), dbSNP rs375449284, ClinGen allele CA1934862.

ClinVar aggregate classification (germline): Uncertain significance. Review status: criteria provided, multiple submitters, no conflicts (2 of 4 stars). 2 submissions from 2 submitters: Uncertain significance (2). Last evaluated 2024-09-24.

Conditions:
Aicardi-Goutieres syndrome 7 (AGS7). Identifiers: Orphanet 51, MedGen C3888244, MONDO:0014367, OMIM 615846.
Singleton-Merten syndrome 1 (SGMRT1). Also called: Widened medullary cavities of bone, aortic calcification, abnormal dentition, and muscular weakness; Syndrome of widened medullary cavities of the metacarpals and phalanges, aortic calcification and abnormal dentition. Identifiers: Orphanet 85191, MedGen C4225427, MONDO:0024535, OMIM 182250.

Allele frequency attached by ClinVar (database versions not stated): gnomAD exomes 0.00001; ExAC 0.00002; gnomAD 0.00003 and 0.00004; TOPMed 0.00003; ESP Exome Variant Server 0.00008.
gnomAD v4.1: 23 of 1,614,056 alleles (0.0014%); highest among the groups gnomAD compares: East Asian, 0.018%; no homozygotes.

Submissions (2):

Labcorp Genetics (formerly Invitae), Labcorp
Classification: Uncertain significance for Aicardi-Goutieres syndrome 7; Singleton-Merten syndrome 1. Last evaluated: 2024-09-24. Review status: criteria provided, single submitter. Criteria: Invitae Variant Classification Sherloc (09022015). Collection method: clinical testing. Allele origin: germline.
Comment: This sequence change replaces threonine, which is neutral and polar, with alanine, which is neutral and non-polar, at codon 100 of the IFIH1 protein (p.Thr100Ala). This variant is present in population databases (rs375449284, gnomAD 0.003%). This variant has not been reported in the literature in individuals affected with IFIH1-related conditions. ClinVar contains an entry for this variant (Variation ID: 982798). An algorithm developed to predict the effect of missense changes on protein structure and function outputs the following: PolyPhen-2: "Benign". The alanine amino acid residue is found in multiple mammalian species, which suggests that this missense change does not adversely affect protein function. In summary, the available evidence is currently insufficient to determine the role of this variant in disease. Therefore, it has been classified as a Variant of Uncertain Significance.

Institute of Human Genetics, University of Leipzig Medical Center
Classification: Uncertain significance for Aicardi-Goutieres syndrome 7. Last evaluated: 2019-01-01. Review status: criteria provided, single submitter. Criteria: ACMG Guidelines, 2015. Collection method: clinical testing. Allele origin: unknown. Affected: yes.